The following is an entry in ClinVar:

NM_005235.3(ERBB4):c.215G>A (p.Arg72Gln)

Gene: ERBB4 (erb-b2 receptor tyrosine kinase 4; minus strand). Cytogenetic location: 2q34.
Variant type: single nucleotide variant.
Coding change: c.215G>A on transcript NM_005235.3 (MANE Select); coding-DNA position 215, G replaced by A.
Protein change: p.Arg72Gln; replaces arginine 72 with glutamine.
Molecular consequence: missense variant.
Genome position (GRCh38, 1-based): chr2:212,124,771, C>T on the plus strand (G>A on the coding strand, the complement: ERBB4 is on the minus strand). VCF-style: chr2-212124771-C-T. GRCh37 (hg19) VCF-style: chr2-212989496-C-T.
Other names: c.215G>A, p.Arg72Gln (NM_001042599.2); short protein forms R72Q.
Identifiers: ClinVar variation 3355992 (VCV003355992.1).

ClinVar aggregate classification (germline): Uncertain significance (0 of 4 stars; one submission).

Conditions:
ERBB4-related disorder. Also called: ERBB4-related condition.

gnomAD v4.1: 4 of 1,614,150 alleles (0.00025%); highest among the groups gnomAD compares: Non-Finnish European, 0.00034%; no homozygotes.

Submission:

PreventionGenetics, part of Exact Sciences
Classification: Uncertain significance for ERBB4-related condition. Last evaluated: 2024-03-08. Review status: no assertion criteria provided. Collection method: clinical testing. Allele origin: germline.
Comment: The ERBB4 c.215G>A variant is predicted to result in the amino acid substitution p.Arg72Gln. To our knowledge, this variant has not been reported in the literature or in a large population database, indicating this variant is rare. At this time, the clinical significance of this variant is uncertain due to the absence of conclusive functional and genetic evidence.